The following is an entry in ClinVar:

NM_000051.4(ATM):c.5098del (p.Lys1701fs)

Gene: ATM (ATM serine/threonine kinase; plus strand). Cytogenetic location: 11q22.3.
Variant type: Deletion.
Coding change: c.5098del on transcript NM_000051.4 (MANE Select); coding-DNA position 5098, one base deleted (C; older notation c.5098delC).
Protein change: p.Lys1701fs; shifts the reading frame from lysine 1701.
Molecular consequence: frameshift variant.
Genome position (GRCh38, 1-based): chr11:108,299,806, C deleted; the last of 3 consecutive C bases (chr11:108,299,804-108,299,806); deleting any one gives the same sequence. VCF-style (leftmost placement, unchanged base first): chr11-108299803-GC-G. GRCh37 (hg19) VCF-style: chr11-108170530-GC-G.
Other names: c.5098delC (NM_000051.3); c.5098del, p.Lys1701fs (NM_001351834.2); short protein forms K1701fs.
Identifiers: ClinVar variation 490605 (VCV000490605.9), dbSNP rs1555104689, ClinGen allele CA658683123.

ClinVar aggregate classification (germline): Pathogenic/Likely pathogenic. Review status: criteria provided, multiple submitters, no conflicts (2 of 4 stars). 4 submissions from 4 submitters: Pathogenic (3); Likely pathogenic (1). Last evaluated 2024-05-16.

Conditions:
Hereditary cancer-predisposing syndrome. Also called: Tumor predisposition; Neoplastic Syndromes, Hereditary; Hereditary Cancer Syndrome; Hereditary neoplastic syndrome. Identifiers: Orphanet 140162, MedGen C0027672, MeSH D009386, MONDO:0015356.
Familial cancer of breast. Also called: BREAST CANCER, FAMILIAL; hereditary breast carcinoma; Hereditary breast cancer. Identifiers: Orphanet 227535, MedGen C0346153, MONDO:0016419, OMIM 114480. Disease mechanism: loss of function.
Ataxia-telangiectasia syndrome (AT). Also called: Ataxia-telangiectasia; Ataxia-telangiectasia, complementation group D; AT, COMPLEMENTATION GROUP C; LOUIS-BAR SYNDROME; Cerebello-oculocutaneous telangiectasia; Immunodeficiency with ataxia telangiectasia. Identifiers: Orphanet 100, MedGen C0004135, MONDO:0008840, OMIM 208900.

Submissions (4):

Natera, Inc.
Classification: Likely pathogenic for Ataxia-telangiectasia. Last evaluated: 2024-05-16. Review status: criteria provided, single submitter. Criteria: Natera Variant Classification Schema (03/2026). Collection method: clinical testing. Allele origin: germline.
Comment: The c.5098del variant in ATM is a frameshift variant predicted to shift the reading frame beginning at codon 1701 and leads to a stop codon 13 codons downstream. This variant is expected to result in nonsense mediated decay, truncation, or a dysfunctional protein product. This variant is rare in the general population with a frequency below the threshold expected for the associated phenotype(s). Given the available evidence, this variant is classified as Likely Pathogenic.

Myriad Genetics, Inc.
Classification: Pathogenic for Familial cancer of breast. Last evaluated: 2024-01-25. Review status: criteria provided, single submitter. Criteria: Myriad Autosomal Dominant, Autosomal Recessive and X-Linked Classification Criteria (2023). Collection method: clinical testing. Allele origin: unknown.
Comment: This variant is considered pathogenic. This variant creates a frameshift predicted to result in premature protein truncation.

Ambry Genetics
Classification: Pathogenic for Hereditary cancer-predisposing syndrome. Last evaluated: 2023-07-05. Review status: criteria provided, single submitter. Criteria: Ambry Variant Classification Scheme 2023. Collection method: clinical testing. Allele origin: germline.
Comment: The c.5098delC pathogenic mutation, located in coding exon 33 of the ATM gene, results from a deletion of one nucleotide at nucleotide position 5098, causing a translational frameshift with a predicted alternate stop codon (p.K1701Sfs*13). This variant is considered to be rare based on population cohorts in the Genome Aggregation Database (gnomAD). This alteration is expected to result in loss of function by premature protein truncation or nonsense-mediated mRNA decay. As such, this alteration is interpreted as a disease-causing mutation.

Color Diagnostics, LLC DBA Color Health
Classification: Pathogenic for Hereditary cancer-predisposing syndrome. Last evaluated: 2021-11-01. Review status: criteria provided, single submitter. Criteria: ACMG Guidelines, 2015. Collection method: clinical testing. Allele origin: germline.
Comment: This variant deletes 1 nucleotide in exon 34 of the ATM gene, creating a frameshift and premature translation stop signal. This variant is expected to result in an absent or non-functional protein product. To our knowledge, this variant has not been reported in individuals affected with hereditary cancer in the literature. This variant has not been identified in the general population by the Genome Aggregation Database (gnomAD). Loss of ATM function is a known mechanism of disease. Based on the available evidence, this variant is classified as Pathogenic.